The following is an entry in ClinVar:

NM_012062.5(DNM1L):c.2162A>G (p.Gln721Arg)

Gene: DNM1L (dynamin 1 like; plus strand). Cytogenetic location: 12p11.21.
Variant type: single nucleotide variant.
Coding change: c.2162A>G on transcript NM_012062.5 (MANE Select); coding-DNA position 2162, A replaced by G.
Protein change: p.Gln721Arg; replaces glutamine 721 with arginine.
Molecular consequence: missense variant.
Genome position (GRCh38, 1-based): chr12:32,743,361, A>G. VCF-style: chr12-32743361-A-G. GRCh37 (hg19) VCF-style: chr12-32896295-A-G.
Other names: c.2129A>G, p.Gln710Arg (NM_001278463.2); c.2201A>G, p.Gln734Arg (NM_001278464.2); c.2168A>G, p.Gln723Arg (NM_001278465.2); c.1553A>G, p.Gln518Arg (NM_001278466.2); c.2090A>G, p.Gln697Arg (NM_001330380.2); c.2051A>G, p.Gln684Arg (NM_005690.5); c.2084A>G, p.Gln695Arg (NM_012063.4); short protein forms Q721R, Q695R, Q710R, Q684R, Q697R, Q723R, Q734R, Q518R.
Identifiers: ClinVar variation 4745668 (VCV004745668.1).

ClinVar aggregate classification (germline): Uncertain significance (1 of 4 stars; one submission).

gnomAD v4.1: 1 of 1,613,970 alleles (0.000062%); highest among the groups gnomAD compares: Non-Finnish European, 0.000085%; no homozygotes.

Submission:

Labcorp Genetics (formerly Invitae), Labcorp
Classification: Uncertain significance. Last evaluated: 2025-06-22. Review status: criteria provided, single submitter. Criteria: Invitae Variant Classification Sherloc (09022015). Collection method: clinical testing. Allele origin: germline.
Comment: This sequence change replaces glutamine, which is neutral and polar, with arginine, which is basic and polar, at codon 721 of the DNM1L protein (p.Gln721Arg). This variant is not present in population databases (gnomAD no frequency). This variant has not been reported in the literature in individuals affected with DNM1L-related conditions. An algorithm developed to predict the effect of missense changes on protein structure and function (PolyPhen-2) suggests that this variant is likely to be disruptive. In summary, the available evidence is currently insufficient to determine the role of this variant in disease. Therefore, it has been classified as a Variant of Uncertain Significance.